The following is an entry in ClinVar:

ClinVar aggregate classification (germline): Uncertain significance (1 of 4 stars; one submission).

Conditions:
Severe combined immunodeficiency due to DNA-PKcs deficiency. Also called: IMMUNODEFICIENCY 26 WITH NEUROLOGIC ABNORMALITIES; Immunodeficiency 26 with or without neurologic abnormalities. Identifiers: Orphanet 317425, MedGen C4014833, MONDO:0014423, OMIM 615966.

gnomAD v4.1: 6 of 1,613,666 alleles (0.00037%); highest among the groups gnomAD compares: East Asian, 0.0022%; no homozygotes.

Submission:

Labcorp Genetics (formerly Invitae), Labcorp
Classification: Uncertain significance for Severe combined immunodeficiency due to DNA-PKcs deficiency. Last evaluated: 2023-08-17. Review status: criteria provided, single submitter. Criteria: Invitae Variant Classification Sherloc (09022015). Collection method: clinical testing. Allele origin: germline.
Comment: In summary, the available evidence is currently insufficient to determine the role of this variant in disease. Therefore, it has been classified as a Variant of Uncertain Significance. Advanced modeling of protein sequence and biophysical properties (such as structural, functional, and spatial information, amino acid conservation, physicochemical variation, residue mobility, and thermodynamic stability) performed at Invitae indicates that this missense variant is not expected to disrupt PRKDC protein function. This sequence change replaces arginine, which is basic and polar, with glutamine, which is neutral and polar, at codon 2090 of the PRKDC protein (p.Arg2090Gln). This variant is present in population databases (no rsID available, gnomAD 0.006%). This variant has not been reported in the literature in individuals affected with PRKDC-related conditions. ClinVar contains an entry for this variant (Variation ID: 1909946).

NM_006904.7(PRKDC):c.6269G>A (p.Arg2090Gln)

Gene: PRKDC (protein kinase, DNA-activated, catalytic subunit; minus strand). Cytogenetic location: 8q11.21.
Variant type: single nucleotide variant.
Coding change: c.6269G>A on transcript NM_006904.7 (MANE Select); coding-DNA position 6269, G replaced by A.
Protein change: p.Arg2090Gln; replaces arginine 2090 with glutamine.
Molecular consequence: missense variant.
Genome position (GRCh38, 1-based): chr8:47,858,925, C>T on the plus strand (G>A on the coding strand, the complement: PRKDC is on the minus strand). VCF-style: chr8-47858925-C-T. GRCh37 (hg19) VCF-style: chr8-48771486-C-T.
Other names: c.6269G>A, p.Arg2090Gln (NM_001081640.2); short protein forms R2090Q.
Identifiers: ClinVar variation 1909946 (VCV001909946.3), dbSNP rs371328148, ClinGen allele CA371160973.
Genomic context (GRCh38, chr8:47,858,925, plus strand): 5'-GGGCCCAGGCTTCTGTGCATGTGCTTGACCAGGGCCGTCAGGGGCGCCATGCACTCATGC[C>T]GATTGAGCTCGTCCATCTCCAGCTCCAGCACATCATCATGCACCGTGGGGTCCCGCTGCT-3'
Protein context (NP_008835.5, residues 2080-2100): VLELEMDELN[Arg2090Gln]HECMAPLTAL